The following is an entry in ClinVar:

NM_004006.3(DMD):c.10086+283T>C

Gene: DMD (dystrophin; minus strand). Cytogenetic location: Xp21.2.
Variant type: single nucleotide variant.
Coding change: c.10086+283T>C on transcript NM_004006.3 (MANE Select); 283 bases into the intron after coding-DNA position 10086, T replaced by C.
Molecular consequence: intron variant.
Genome position (GRCh38, 1-based): chrX:31,180,087, A>G on the plus strand (T>C on the coding strand, the complement: DMD is on the minus strand). VCF-style: chrX-31180087-A-G. GRCh37 (hg19) VCF-style: chrX-31198204-A-G.
Other names: c.10062+283T>C (NM_000109.4); c.6063+283T>C (NM_004011.4); c.6054+283T>C (NM_004012.4); c.2706+283T>C (NM_004023.3, NM_004020.4, NM_004022.3 and 2 more transcripts); c.1899+283T>C (NM_004014.3); c.882+283T>C (NM_004018.3, NM_004017.3, NM_004016.3 and 2 more transcripts); c.10074+283T>C (NM_004009.3); c.9717+283T>C (NM_004010.3).
Identifiers: ClinVar variation 680543 (VCV000680543.1), dbSNP rs5927693, ClinGen allele CA328405575.

ClinVar aggregate classification (germline): Benign (1 of 4 stars; one submission).

Allele frequency attached by ClinVar (database versions not stated): 1000 Genomes Project 30x 0.48803; 1000 Genomes Project 0.48874; TOPMed 0.54039; gnomAD 0.55899.

Submission:

GeneDx
Classification: Benign. Last evaluated: 2018-06-14. Review status: criteria provided, single submitter. Criteria: GeneDx Variant Classification (06012015). Collection method: clinical testing. Allele origin: germline. Affected: yes.
Comment: This variant is considered likely benign or benign based on one or more of the following criteria: it is a conservative change, it occurs at a poorly conserved position in the protein, it is predicted to be benign by multiple in silico algorithms, and/or has population frequency not consistent with disease.